The following is an entry in ClinVar:

ClinVar aggregate classification (germline): Uncertain significance (1 of 4 stars; one submission).

Conditions:
Complex cortical dysplasia with other brain malformations 7. Identifiers: Orphanet 300573, MedGen C3552236, MONDO:0012399, OMIM 610031.

Submission:

MGZ Medical Genetics Center
Classification: Uncertain significance for Complex cortical dysplasia with other brain malformations 7. Last evaluated: 2022-06-15. Review status: criteria provided, single submitter. Criteria: ACMG Guidelines, 2015. Collection method: clinical testing. Allele origin: germline. Affected: yes. Observed: 1 variant allele.
Comment: ACMG criteria applied: PM2_SUP, PP2, PP3

NM_178012.5(TUBB2B):c.1091C>T (p.Ser364Leu)

Gene: TUBB2B (tubulin beta 2B class IIb; minus strand). Cytogenetic location: 6p25.2.
Variant type: single nucleotide variant.
Coding change: c.1091C>T on transcript NM_178012.5 (MANE Select); coding-DNA position 1091, C replaced by T.
Protein change: p.Ser364Leu; replaces serine 364 with leucine.
Molecular consequence: missense variant.
Genome position (GRCh38, 1-based): chr6:3,224,998, G>A on the plus strand (C>T on the coding strand, the complement: TUBB2B is on the minus strand). VCF-style: chr6-3224998-G-A. GRCh37 (hg19) VCF-style: chr6-3225232-G-A.
Other names: short protein forms S364L.
Identifiers: ClinVar variation 1709542 (VCV001709542.2), dbSNP rs2533617052, ClinGen allele CA362585439.